The following is an entry in ClinVar:

NM_001034853.2(RPGR):c.2601_2602del (p.Glu868fs)

Gene: RPGR (retinitis pigmentosa GTPase regulator; minus strand). Cytogenetic location: Xp11.4.
Variant type: Deletion.
Coding change: c.2601_2602del on transcript NM_001034853.2 (MANE Select); coding-DNA positions 2601 to 2602, 2 bases deleted (GG; older notation c.2601_2602delGG).
Protein change: p.Glu868fs; shifts the reading frame from glutamic acid 868.
Molecular consequence: frameshift variant. On other transcripts: intron variant (8).
Genome position (GRCh38, 1-based): chrX:38,286,397-38,286,398, CC deleted on the plus strand (GG on the coding strand, the reverse complement: RPGR is on the minus strand); deleting any 2 consecutive bases within chrX:38,286,397-38,286,400 gives the same sequence; the c. name uses the placement nearest the transcript's 3' end. VCF-style (leftmost placement, unchanged base first): chrX-38286396-TCC-T. GRCh37 (hg19) VCF-style: chrX-38145649-TCC-T.
Other names: c.1569+4561_1569+4562del (NM_001367249.1, NM_001367250.1); c.1902+696_1902+697del (NM_001367245.1); c.1386+4561_1386+4562del (NM_001367251.1); c.1719+696_1719+697del (NM_001367246.1); c.1572+4561_1572+4562del (NM_001367247.1); c.1905+696_1905+697del (NM_000328.3); c.1602+4561_1602+4562del (NM_001367248.1); short protein forms E868fs.
Identifiers: ClinVar variation 866765 (VCV000866765.11), dbSNP rs2067169934, ClinGen allele CA916083892.

ClinVar aggregate classification (germline): Pathogenic. Review status: criteria provided, multiple submitters, no conflicts (2 of 4 stars). 6 submissions from 5 submitters: Pathogenic (5). 1 of the submissions does not count toward it. Last evaluated 2026-01-12.

Conditions:
Retinitis pigmentosa 3. Also called: CHOROIDORETINAL DEGENERATION WITH RETINAL REFLEX IN HETEROZYGOUS WOMEN. Identifiers: Orphanet 791, MedGen C1845667, MONDO:0010227, OMIM 300029.
Retinal dystrophy. Also called: Inherited retinal dystrophy. Identifiers: Orphanet 71862, MedGen C0854723, MeSH D058499, MONDO:0019118, HP:0000556.
Primary ciliary dyskinesia. Also called: Ciliary dyskinesia. Identifiers: Orphanet 244, MedGen C0008780, MONDO:0016575, HP:0012265.

Submissions (6):

Labcorp Genetics (formerly Invitae), Labcorp
Classification: Pathogenic for Primary ciliary dyskinesia. Last evaluated: 2026-01-12. Review status: criteria provided, single submitter. Criteria: Invitae Variant Classification Sherloc (09022015). Collection method: clinical testing. Allele origin: germline.
Comment: This sequence change creates a premature translational stop signal (p.Glu868Glyfs*210) in the RPGR (ORF15) gene. While this is not anticipated to result in nonsense mediated decay, it is expected to disrupt the last 285 amino acid(s) of the RPGR (ORF15) protein. The frequency data for this variant in the population databases is considered unreliable, as metrics indicate insufficient coverage at this position in the gnomAD database. This premature translational stop signal has been observed in individual(s) with retinitis pigmentosa (PMID: 12657579, 28322733, 31953110). This variant is also known as ORF15+848_849delGG. ClinVar contains an entry for this variant (Variation ID: 866765). This variant disrupts a region of the RPGR (ORF15) protein in which other variant(s) (p.Leu1130Lysfs*13) have been determined to be pathogenic (PMID: 22264887; internal data). This suggests that this is a clinically significant region of the protein, and that variants that disrupt it are likely to be disease-causing. For these reasons, this variant has been classified as Pathogenic.

GeneDx
Classification: Pathogenic. Last evaluated: 2023-12-07. Review status: criteria provided, single submitter. Criteria: GeneDx Variant Classification Process June 2021. Collection method: clinical testing. Allele origin: germline. Affected: yes.
Comment: Frameshift variant predicted to result in protein truncation in a gene for which loss of function is a known mechanism of disease; Not observed at significant frequency in large population cohorts (gnomAD); This variant is associated with the following publications: (PMID: 31953110, 34985506, 28322733, 12657579)

Blueprint Genetics
Classification: Pathogenic for Retinal dystrophy. Last evaluated: 2018-06-06. Review status: criteria provided, single submitter. Criteria: Blueprint Genetics Variant Classification Scheme. Collection method: clinical testing. Allele origin: germline. Affected: yes.

Institute of Human Genetics, Univ. Regensburg, Univ. Regensburg
Classification: Pathogenic for Retinal dystrophy. Last evaluated: 2018-01-01. Review status: criteria provided, single submitter. Criteria: ACMG Guidelines, 2015. Collection method: clinical testing. Allele origin: germline. Affected: yes.

PreventionGenetics, part of Exact Sciences
Classification: Pathogenic. Last evaluated: 2017-06-11. Review status: criteria provided, single submitter. Criteria: ACMG Guidelines, 2015. Collection method: clinical testing. Allele origin: germline.

Blueprint Genetics
Classification: Pathogenic for Retinitis pigmentosa 3. Review status: no assertion criteria provided. Collection method: clinical testing. Allele origin: germline. Affected: yes. Not counted in ClinVar's aggregate classification.

Literature cited by the submitters: PubMed 12657579 (cited by Labcorp Genetics (formerly Invitae), Labcorp and Institute of Human Genetics, Univ. Regensburg, Univ. Regensburg); PubMed 28322733 (cited by Labcorp Genetics (formerly Invitae), Labcorp); PubMed 31953110 (cited by Labcorp Genetics (formerly Invitae), Labcorp and Institute of Human Genetics, Univ. Regensburg, Univ. Regensburg); PubMed 22264887 (cited by Labcorp Genetics (formerly Invitae), Labcorp); PubMed 34985506 (cited by Institute of Human Genetics, Univ. Regensburg, Univ. Regensburg).